The following is an entry in ClinVar:

ClinVar aggregate classification (germline): Likely pathogenic (1 of 4 stars; one submission).

gnomAD v4.1: 2 of 1,613,984 alleles (0.00012%); highest among the groups gnomAD compares: Non-Finnish European, 0.00017%; no homozygotes.

Submission:

CeGaT Center for Human Genetics Tuebingen
Classification: Likely pathogenic. Last evaluated: 2026-03-01. Review status: criteria provided, single submitter. Criteria: CeGaT Center For Human Genetics Tuebingen Variant Classification Criteria Version 2. Collection method: clinical testing. Allele origin: germline. Affected: yes. Observed: 1 variant allele.
Comment: DAG1: PVS1:Strong, PM2

NM_004393.6(DAG1):c.1282C>T (p.Arg428Ter)

Gene: DAG1 (dystroglycan 1; plus strand). Cytogenetic location: 3p21.31.
Variant type: single nucleotide variant.
Coding change: c.1282C>T on transcript NM_004393.6 (MANE Select); coding-DNA position 1282, C replaced by T.
Protein change: p.Arg428Ter; replaces arginine 428 with a stop codon.
Molecular consequence: nonsense.
Genome position (GRCh38, 1-based): chr3:49,531,793, C>T. VCF-style: chr3-49531793-C-T. GRCh37 (hg19) VCF-style: chr3-49569226-C-T.
Other names: c.1282C>T, p.Arg428Ter (NM_001165928.4, NM_001177634.3, NM_001177635.3 and 18 more transcripts); short protein forms R428*.
Identifiers: ClinVar variation 4821383 (VCV004821383.4).
Genomic context (GRCh38, chr3:49,531,793, plus strand): 5'-CCTGGCTATGTGGAGCCTACTGCAGTTGCTACCCCTCCCACAACCACCACCAAGAAGCCA[C>T]GAGTATCCACACCAAAACCAGCAACGCCTTCAACTGACTCCACCACCACCACGACTCGCA-3'